The following is an entry in ClinVar:

NM_014384.3(ACAD8):c.3G>C (p.Met1Ile)

Gene: ACAD8 (acyl-CoA dehydrogenase family member 8; plus strand). Cytogenetic location: 11q25.
Variant type: single nucleotide variant.
Coding change: c.3G>C on transcript NM_014384.3 (MANE Select); coding-DNA position 3, G replaced by C.
Protein change: p.Met1Ile; changes the start codon (methionine 1).
Molecular consequence: missense variant, initiator codon variant.
Genome position (GRCh38, 1-based): chr11:134,253,603, G>C. VCF-style: chr11-134253603-G-C. GRCh37 (hg19) VCF-style: chr11-134123497-G-C.
Other names: short protein forms M1I.
Identifiers: ClinVar variation 2047520 (VCV002047520.2), dbSNP rs751940610, ClinGen allele CA6372801.

ClinVar aggregate classification (germline): Likely pathogenic (1 of 4 stars; one submission).

Conditions:
Deficiency of isobutyryl-CoA dehydrogenase. Also called: ACAD8 DEFICIENCY; IBD DEFICIENCY; ACYL-CoA DEHYDROGENASE FAMILY, MEMBER 8, DEFICIENCY OF. Identifiers: Orphanet 79159, MedGen C1969809, MONDO:0012648, OMIM 611283.

Submission:

Labcorp Genetics (formerly Invitae), Labcorp
Classification: Likely pathogenic for Deficiency of isobutyryl-CoA dehydrogenase. Last evaluated: 2022-08-02. Review status: criteria provided, single submitter. Criteria: Invitae Variant Classification Sherloc (09022015). Collection method: clinical testing. Allele origin: germline.
Comment: This sequence change affects the initiator methionine of the ACAD8 mRNA. The next in-frame methionine is located at codon 39. This variant is present in population databases (rs751940610, gnomAD 0.01%). Disruption of the initiator codon has been observed in individual(s) with Isobutyryl-CoA dehydrogenase deficiency (PMID: 17924841, 24635911; Invitae). In at least one individual the data is consistent with being in trans (on the opposite chromosome) from a pathogenic variant. In summary, the currently available evidence indicates that the variant is pathogenic, but additional data are needed to prove that conclusively. Therefore, this variant has been classified as Likely Pathogenic.

Literature cited by the submitters: PubMed 17924841; PubMed 24635911.